The following is an entry in ClinVar:

ClinVar aggregate classification (germline): Uncertain significance (1 of 4 stars; one submission).

Conditions:
Cardiovascular phenotype. Identifiers: MedGen CN230736.

Submission:

Ambry Genetics
Classification: Uncertain significance for Cardiovascular phenotype. Last evaluated: 2025-12-09. Review status: criteria provided, single submitter. Criteria: Ambry Variant Classification Scheme 2023. Collection method: clinical testing. Allele origin: germline.
Comment: The c.37777+4T>G intronic variant results from a T to G substitution 4 nucleotides after coding exon 137 in the TTN gene. This nucleotide position is not well conserved in available vertebrate species. In silico splice site analysis predicts that this alteration will not have any significant effect on splicing. Based on the available evidence, the clinical significance of this variant remains unclear.

NM_001267550.2(TTN):c.64972+4T>G

Genes: TTN (titin; minus strand), TTN-AS1 (TTN antisense RNA 1; plus strand). Cytogenetic location: 2q31.2.
Variant type: single nucleotide variant.
Coding change: c.64972+4T>G on transcript NM_001267550.2 (MANE Select); 4 bases into the intron after coding-DNA position 64972, T replaced by G.
Molecular consequence: intron variant. On other transcripts: non-coding transcript variant (1).
Genome position (GRCh38, 1-based): chr2:178,584,665, A>C on the plus strand (T>G on the coding strand, the complement: TTN is on the minus strand). VCF-style: chr2-178584665-A-C. GRCh37 (hg19) VCF-style: chr2-179449392-A-C.
Other names: c.37777+4T>G (NM_003319.4); c.38353+4T>G (NM_133437.4); c.38152+4T>G (NM_133432.3); c.57268+4T>G (NM_133378.4); c.60049+4T>G (NM_001256850.1).
Identifiers: ClinVar variation 4615373 (VCV004615373.1).